The following is an entry in ClinVar:

ClinVar aggregate classification (germline): Uncertain significance (1 of 4 stars; one submission).

Submission:

Labcorp Genetics (formerly Invitae), Labcorp
Classification: Uncertain significance. Last evaluated: 2024-11-03. Review status: criteria provided, single submitter. Criteria: Invitae Variant Classification Sherloc (09022015). Collection method: clinical testing. Allele origin: germline.
Comment: This sequence change replaces proline, which is neutral and non-polar, with serine, which is neutral and polar, at codon 1103 of the KMT2B protein (p.Pro1103Ser). This variant is not present in population databases (gnomAD no frequency). This variant has not been reported in the literature in individuals affected with KMT2B-related conditions. Invitae Evidence Modeling of protein sequence and biophysical properties (such as structural, functional, and spatial information, amino acid conservation, physicochemical variation, residue mobility, and thermodynamic stability) indicates that this missense variant is not expected to disrupt KMT2B protein function with a negative predictive value of 95%. In summary, the available evidence is currently insufficient to determine the role of this variant in disease. Therefore, it has been classified as a Variant of Uncertain Significance.

NM_014727.3(KMT2B):c.3307C>T (p.Pro1103Ser)

Gene: KMT2B (lysine methyltransferase 2B; plus strand). Cytogenetic location: 19q13.12.
Variant type: single nucleotide variant.
Coding change: c.3307C>T on transcript NM_014727.3 (MANE Select); coding-DNA position 3307, C replaced by T.
Protein change: p.Pro1103Ser; replaces proline 1103 with serine.
Molecular consequence: missense variant.
Genome position (GRCh38, 1-based): chr19:35,723,980, C>T. VCF-style: chr19-35723980-C-T. GRCh37 (hg19) VCF-style: chr19-36214881-C-T.
Other names: short protein forms P1103S.
Identifiers: ClinVar variation 3611652 (VCV003611652.2).